The following is an entry in ClinVar:

ClinVar aggregate classification (germline): Benign (1 of 4 stars; one submission).

Conditions:
Prostate cancer, hereditary, 9 (HPC9). Identifiers: Orphanet 1331, MedGen C1970250, MONDO:0012597, OMIM 610997.

Submission:

Myriad Genetics, Inc.
Classification: Benign for Prostate cancer, hereditary, 9. Last evaluated: 2024-10-28. Review status: criteria provided, single submitter. Criteria: Myriad Autosomal Dominant, Autosomal Recessive and X-Linked Classification Criteria (2023). Collection method: clinical testing. Allele origin: unknown.
Comment: This variant is considered benign. This variant is a silent/synonymous amino acid change and it is not expected to impact splicing.

NM_006361.6(HOXB13):c.108C>T (p.His36=)

Gene: HOXB13 (homeobox B13; minus strand). Cytogenetic location: 17q21.32.
Variant type: single nucleotide variant.
Coding change: c.108C>T on transcript NM_006361.6 (MANE Select); coding-DNA position 108, C replaced by T.
Protein change: p.His36=; no amino-acid change (histidine 36 retained).
Molecular consequence: synonymous variant.
Genome position (GRCh38, 1-based): chr17:48,728,486, G>A on the plus strand (C>T on the coding strand, the complement: HOXB13 is on the minus strand). VCF-style: chr17-48728486-G-A. GRCh37 (hg19) VCF-style: chr17-46805848-G-A.
Identifiers: ClinVar variation 3772981 (VCV003772981.1).